The following is an entry in ClinVar:

NM_012293.3(PXDN):c.1517A>G (p.Asn506Ser)

Gene: PXDN (peroxidasin; minus strand). Cytogenetic location: 2p25.3.
Variant type: single nucleotide variant.
Coding change: c.1517A>G on transcript NM_012293.3 (MANE Select); coding-DNA position 1517, A replaced by G.
Protein change: p.Asn506Ser; replaces asparagine 506 with serine.
Molecular consequence: missense variant.
Genome position (GRCh38, 1-based): chr2:1,663,655, T>C on the plus strand (A>G on the coding strand, the complement: PXDN is on the minus strand). VCF-style: chr2-1663655-T-C. GRCh37 (hg19) VCF-style: chr2-1667427-T-C.
Other names: short protein forms N506S.
Identifiers: ClinVar variation 1484046 (VCV001484046.6), dbSNP rs2125425458, ClinGen allele CA345714538.
Genomic context (GRCh38, chr2:1,663,655, plus strand): 5'-TGGCACCTACCTCTGGGCTGCACAGTCAGGTGGGCCACGACCTTCTGGGAGCCGATGATG[T>C]TGACAGCCTGGCATTCGTACTGGCCCTGGTCGTGGAGGGCAACACCAGAGATTCTAAGTG-3'
Protein context (NP_036425.1, residues 496-516): DQGQYECQAV[Asn506Ser]IIGSQKVVAH

ClinVar aggregate classification (germline): Uncertain significance (1 of 4 stars; one submission).

Conditions:
Anterior segment dysgenesis 7 (ASGD7). Also called: Anterior segment dysgenesis 7, with sclerocornea; SCLEROCORNEA WITH OTHER OCULAR ANOMALIES. Identifiers: Orphanet 289499, MedGen C3151617, MONDO:0010015, OMIM 269400.

Allele frequency attached by ClinVar (database versions not stated): gnomAD exomes below 0.00001.
gnomAD v4.1: 1 of 1,614,052 alleles (0.000062%); highest among the groups gnomAD compares: Non-Finnish European, 0.000085%; no homozygotes.

Submission:

Labcorp Genetics (formerly Invitae), Labcorp
Classification: Uncertain significance for Anterior segment dysgenesis 7. Last evaluated: 2021-10-24. Review status: criteria provided, single submitter. Criteria: Invitae Variant Classification Sherloc (09022015). Collection method: clinical testing. Allele origin: germline.
Comment: In summary, the available evidence is currently insufficient to determine the role of this variant in disease. Therefore, it has been classified as a Variant of Uncertain Significance. Algorithms developed to predict the effect of missense changes on protein structure and function (SIFT, PolyPhen-2, Align-GVGD) all suggest that this variant is likely to be tolerated. This variant has not been reported in the literature in individuals affected with PXDN-related conditions. This variant is not present in population databases (gnomAD no frequency). This sequence change replaces asparagine, which is neutral and polar, with serine, which is neutral and polar, at codon 506 of the PXDN protein (p.Asn506Ser).